The following is an entry in ClinVar:

ClinVar aggregate classification (germline): Uncertain significance (1 of 4 stars; one submission).

Conditions:
Inborn genetic diseases. Identifiers: MedGen C0950123, MeSH D030342.

Submission:

Ambry Genetics
Classification: Uncertain significance for Inborn genetic diseases. Last evaluated: 2023-07-27. Review status: criteria provided, single submitter. Criteria: Ambry Variant Classification Scheme 2023. Collection method: clinical testing. Allele origin: germline.
Comment: The p.R299G variant (also known as c.895C>G), located in coding exon 10 of the ERCC2 gene, results from a C to G substitution at nucleotide position 895. The arginine at codon 299 is replaced by glycine, an amino acid with dissimilar properties. This amino acid position is conserved. In addition, the in silico prediction for this alteration is inconclusive. Since supporting evidence is limited at this time, the clinical significance of this alteration remains unclear.

NM_000400.4(ERCC2):c.895C>G (p.Arg299Gly)

Gene: ERCC2 (ERCC excision repair 2, TFIIH core complex helicase subunit; minus strand). Cytogenetic location: 19q13.32.
Variant type: single nucleotide variant.
Coding change: c.895C>G on transcript NM_000400.4 (MANE Select); coding-DNA position 895, C replaced by G.
Protein change: p.Arg299Gly; replaces arginine 299 with glycine.
Molecular consequence: missense variant.
Genome position (GRCh38, 1-based): chr19:45,364,040, G>C on the plus strand (C>G on the coding strand, the complement: ERCC2 is on the minus strand). VCF-style: chr19-45364040-G-C. GRCh37 (hg19) VCF-style: chr19-45867298-G-C.
Other names: c.823C>G, p.Arg275Gly (NM_001130867.2); short protein forms R299G, R275G.
Identifiers: ClinVar variation 2586782 (VCV002586782.2), dbSNP rs760337216, ClinGen allele CA406373508.